The following is an entry in ClinVar:

NM_000539.3(RHO):c.556T>C (p.Ser186Pro)

Gene: RHO (rhodopsin; plus strand). Cytogenetic location: 3q22.1.
Variant type: single nucleotide variant.
Coding change: c.556T>C on transcript NM_000539.3 (MANE Select); coding-DNA position 556, T replaced by C.
Protein change: p.Ser186Pro; replaces serine 186 with proline.
Molecular consequence: missense variant.
Genome position (GRCh38, 1-based): chr3:129,532,276, T>C. VCF-style: chr3-129532276-T-C. GRCh37 (hg19) VCF-style: chr3-129251119-T-C.
Other names: short protein forms S186P.
Identifiers: ClinVar variation 2734563 (VCV002734563.4), dbSNP rs2533026675, ClinGen allele CA354499214.

ClinVar aggregate classification (germline): Pathogenic/Likely pathogenic. Review status: criteria provided, multiple submitters, no conflicts (2 of 4 stars). 2 submissions from 2 submitters: Pathogenic (1); Likely pathogenic (1). Last evaluated 2024-03-14.

Conditions:
RHO-related disorder. Also called: RHO-related condition.

Submissions (2):

Labcorp Genetics (formerly Invitae), Labcorp
Classification: Pathogenic. Last evaluated: 2024-03-14. Review status: criteria provided, single submitter. Criteria: Invitae Variant Classification Sherloc (09022015). Collection method: clinical testing. Allele origin: germline.
Comment: This sequence change replaces serine, which is neutral and polar, with proline, which is neutral and non-polar, at codon 186 of the RHO protein (p.Ser186Pro). This variant is not present in population databases (gnomAD no frequency). This missense change has been observed in individuals with autosomal dominant retinitis pigmentosa (PMID: 1833777, 11135497; Invitae). Advanced modeling of protein sequence and biophysical properties (such as structural, functional, and spatial information, amino acid conservation, physicochemical variation, residue mobility, and thermodynamic stability) performed at Invitae indicates that this missense variant is expected to disrupt RHO protein function with a positive predictive value of 80%. Experimental studies have shown that this missense change affects RHO function (PMID: 30977563). This variant disrupts the p.Ser186 amino acid residue in RHO. Other variant(s) that disrupt this residue have been determined to be pathogenic (PMID: 19958124, 32531858, 33598457). This suggests that this residue is clinically significant, and that variants that disrupt this residue are likely to be disease-causing. For these reasons, this variant has been classified as Pathogenic.

Blueprint Genetics
Classification: Likely pathogenic for RHO-related disorders. Last evaluated: 2020-11-24. Review status: criteria provided, single submitter. Criteria: ACMG Guidelines, 2015. Collection method: clinical testing. Allele origin: germline. Affected: yes. Observed: 1 variant allele.

Literature cited by the submitters: PubMed 1833777 (cited by Labcorp Genetics (formerly Invitae), Labcorp); PubMed 11135497 (cited by Labcorp Genetics (formerly Invitae), Labcorp); PubMed 30977563 (cited by Labcorp Genetics (formerly Invitae), Labcorp); PubMed 19958124 (cited by Labcorp Genetics (formerly Invitae), Labcorp); PubMed 32531858 (cited by Labcorp Genetics (formerly Invitae), Labcorp); PubMed 33598457 (cited by Labcorp Genetics (formerly Invitae), Labcorp).